The following is an entry in ClinVar:

NM_006206.6(PDGFRA):c.468G>C (p.Glu156Asp)

Gene: PDGFRA (platelet derived growth factor receptor alpha; plus strand). Cytogenetic location: 4q12.
Variant type: single nucleotide variant.
Coding change: c.468G>C on transcript NM_006206.6 (MANE Select); coding-DNA position 468, G replaced by C.
Protein change: p.Glu156Asp; replaces glutamic acid 156 with aspartic acid.
Molecular consequence: missense variant.
Genome position (GRCh38, 1-based): chr4:54,263,767, G>C. VCF-style: chr4-54263767-G-C. GRCh37 (hg19) VCF-style: chr4-55129934-G-C.
Other names: c.468G>C, p.Glu156Asp (NM_001347827.2, NM_001347829.2); c.543G>C, p.Glu181Asp (NM_001347828.2); c.507G>C, p.Glu169Asp (NM_001347830.2); short protein forms E156D, E169D, E181D.
Identifiers: ClinVar variation 1017753 (VCV001017753.9), dbSNP rs150801572, ClinGen allele CA356889887.

ClinVar aggregate classification (germline): Uncertain significance (1 of 4 stars; one submission).

Conditions:
Gastrointestinal stromal tumor. Also called: Gastrointestinal stromal tumor, somatic; Gastrointestinal stroma tumor. Identifiers: Orphanet 44890, MedGen C0238198, MeSH D046152, MONDO:0011719, OMIM 606764, HP:0100723.

Submission:

Labcorp Genetics (formerly Invitae), Labcorp
Classification: Uncertain significance for Gastrointestinal stromal tumor. Last evaluated: 2021-08-12. Review status: criteria provided, single submitter. Criteria: Invitae Variant Classification Sherloc (09022015). Collection method: clinical testing. Allele origin: germline.
Comment: Algorithms developed to predict the effect of missense changes on protein structure and function output the following: SIFT: "Tolerated"; PolyPhen-2: "Benign"; Align-GVGD: "Class C0". The aspartic acid amino acid residue is found in multiple mammalian species, suggesting that this missense change does not adversely affect protein function. These predictions have not been confirmed by published functional studies and their clinical significance is uncertain. This variant has not been reported in the literature in individuals with PDGFRA-related conditions. This variant is not present in population databases (ExAC no frequency). This sequence change replaces glutamic acid with aspartic acid at codon 156 of the PDGFRA protein (p.Glu156Asp). The glutamic acid residue is weakly conserved and there is a small physicochemical difference between glutamic acid and aspartic acid. In summary, the available evidence is currently insufficient to determine the role of this variant in disease. Therefore, it has been classified as a Variant of Uncertain Significance.